The following is an entry in ClinVar:

ClinVar aggregate classification (germline): Conflicting classifications of pathogenicity. Review status: criteria provided, conflicting classifications (1 of 4 stars). 2 submissions from 2 submitters: Uncertain significance (1); Likely benign (1). Last evaluated 2023-03-23.

Conditions:
Hereditary breast ovarian cancer syndrome. Also called: BRCA1- and BRCA2-Associated Hereditary Breast and Ovarian Cancer; Hereditary breast and ovarian cancer syndrome; Hereditary breast and ovarian cancer; Hereditary breast and ovarian cancer syndrome (HBOC); Hereditary breast and/or ovarian cancer syndrome; Breast and ovarian cancer. Identifiers: Orphanet 145, MedGen C0677776, MeSH D061325, MONDO:0003582. Disease mechanism: loss of function.
Hereditary cancer-predisposing syndrome. Also called: Hereditary neoplastic syndrome; Neoplastic Syndromes, Hereditary; Tumor predisposition; Hereditary Cancer Syndrome. Identifiers: Orphanet 140162, MedGen C0027672, MeSH D009386, MONDO:0015356.

Allele frequency attached by ClinVar (database versions not stated): gnomAD exomes below 0.00001.
gnomAD v4.1: 3 of 1,611,928 alleles (0.00019%); highest among the groups gnomAD compares: Non-Finnish European, 0.00017%; no homozygotes.

Submissions (2):

University of Washington Department of Laboratory Medicine, University of Washington
Classification: Likely benign for Hereditary cancer-predisposing syndrome. Last evaluated: 2023-03-23. Review status: criteria provided, single submitter. Criteria: Dines et al. (Genet Med. 2020). Collection method: curation. Allele origin: germline.
Comment: Missense variant in a coldspot region where missense variants are very unlikely to be pathogenic (PMID:31911673).

BRCA2 exon 11 coldspot. Reclassification based on statistical prior probability.

Labcorp Genetics (formerly Invitae), Labcorp
Classification: Uncertain significance for Hereditary breast ovarian cancer syndrome. Last evaluated: 2018-05-26. Review status: criteria provided, single submitter. Criteria: Invitae Variant Classification Sherloc (09022015). Collection method: clinical testing. Allele origin: germline.
Comment: This sequence change replaces threonine with alanine at codon 1231 of the BRCA2 protein (p.Thr1231Ala). The threonine residue is weakly conserved and there is a small physicochemical difference between threonine and alanine. Algorithms developed to predict the effect of missense changes on protein structure and function (SIFT, PolyPhen-2, Align-GVGD) all suggest that this variant is likely to be tolerated, but these predictions have not been confirmed by published functional studies and their clinical significance is uncertain. In summary, the available evidence is currently insufficient to determine the role of this variant in disease. Therefore, it has been classified as a Variant of Uncertain Significance. This variant has not been reported in the literature in individuals with BRCA2-related disease. This variant is not present in population databases (ExAC no frequency).

NM_000059.4(BRCA2):c.3691A>G (p.Thr1231Ala)

Gene: BRCA2 (BRCA2 DNA repair associated; plus strand). Cytogenetic location: 13q13.1.
Variant type: single nucleotide variant.
Coding change: c.3691A>G on transcript NM_000059.4 (MANE Select); coding-DNA position 3691, A replaced by G.
Protein change: p.Thr1231Ala; replaces threonine 1231 with alanine.
Molecular consequence: missense variant.
Genome position (GRCh38, 1-based): chr13:32,338,046, A>G. VCF-style: chr13-32338046-A-G. GRCh37 (hg19) VCF-style: chr13-32912183-A-G.
Other names: short protein forms T1231A.
Identifiers: ClinVar variation 565506 (VCV000565506.10), dbSNP rs1555283363, ClinGen allele CA387778029.